The following is an entry in ClinVar:

ClinVar aggregate classification (germline): Benign. Review status: criteria provided, multiple submitters, no conflicts (2 of 4 stars). 3 submissions from 3 submitters: Benign (2). 1 of the submissions does not count toward it. Last evaluated 2026-02-01.

Conditions:
DMRT2-related disorder. Also called: DMRT2-related condition.

Allele frequency attached by ClinVar (database versions not stated): ESP Exome Variant Server 0.00192; 1000 Genomes Project 0.00359; gnomAD 0.00378 and 0.00402.

Submissions (3):

Labcorp Genetics (formerly Invitae), Labcorp
Classification: Benign. Last evaluated: 2026-02-01. Review status: criteria provided, single submitter. Criteria: Invitae Variant Classification Sherloc (09022015). Collection method: clinical testing. Allele origin: germline.

Breakthrough Genomics
Classification: Benign. Review status: criteria provided, single submitter. Criteria: ACMG Guidelines, 2015. Collection method: not provided. Allele origin: germline. Inheritance: Unknown mechanism. Affected: yes.

PreventionGenetics, part of Exact Sciences
Classification: Benign for DMRT2-related condition. Last evaluated: 2021-11-17. Review status: no assertion criteria provided. Collection method: clinical testing. Allele origin: germline. Not counted in ClinVar's aggregate classification.
Comment: This variant is classified as benign based on ACMG/AMP sequence variant interpretation guidelines (Richards et al. 2015 PMID: 25741868, with internal and published modifications).

NM_181872.6(DMRT2):c.100C>A (p.Pro34Thr)

Gene: DMRT2 (doublesex and mab-3 related transcription factor 2; plus strand). Cytogenetic location: 9p24.3.
Variant type: single nucleotide variant.
Coding change: c.100C>A on transcript NM_181872.6 (MANE Select); coding-DNA position 100, C replaced by A.
Protein change: p.Pro34Thr; replaces proline 34 with threonine.
Molecular consequence: missense variant. On other transcripts: 5 prime UTR variant (1), non-coding transcript variant (1).
Genome position (GRCh38, 1-based): chr9:1,051,713, C>A. VCF-style: chr9-1051713-C-A. GRCh37 (hg19) VCF-style: chr9-1051713-C-A.
Other names: c.100C>A, p.Pro34Thr (NM_001130865.3, NM_001370531.1, NM_001370533.1 and 4 more transcripts); c.-551C>A (NM_001370532.1); c.100C>A (NM_006557.6); short protein forms P34T.
Identifiers: ClinVar variation 1599487 (VCV001599487.11), dbSNP rs140484044, ClinGen allele CA4962292.
Genomic context (GRCh38, chr9:1,051,713, plus strand): 5'-GAGATCGATGTCGAGAGCCTGGAGCTGGAAGAGGACGTCTGCGGGGCGCCGCGGTCCACG[C>A]CCCCCGGGCCCAGCCCGCCGCCGGCGGACGGGGACTGCGAGGACGACGAAGATGACGACG-3'
Protein context (NP_870987.2, residues 24-44): EDVCGAPRST[Pro34Thr]PGPSPPPADG